The following is an entry in ClinVar:

NM_198578.4(LRRK2):c.2048T>C (p.Ile683Thr)

Gene: LRRK2 (leucine rich repeat kinase 2; plus strand). Cytogenetic location: 12q12.
Variant type: single nucleotide variant.
Coding change: c.2048T>C on transcript NM_198578.4 (MANE Select); coding-DNA position 2048, T replaced by C.
Protein change: p.Ile683Thr; replaces isoleucine 683 with threonine.
Molecular consequence: missense variant.
Genome position (GRCh38, 1-based): chr12:40,277,994, T>C. VCF-style: chr12-40277994-T-C. GRCh37 (hg19) VCF-style: chr12-40671796-T-C.
Other names: short protein forms I683T.
Identifiers: ClinVar variation 2567356 (VCV002567356.2), dbSNP rs2499637816, ClinGen allele CA384404719.

ClinVar aggregate classification (germline): Uncertain significance (1 of 4 stars; one submission).

Conditions:
Inborn genetic diseases. Identifiers: MedGen C0950123, MeSH D030342.

Submission:

Ambry Genetics
Classification: Uncertain significance for Inborn genetic diseases. Last evaluated: 2023-04-11. Review status: criteria provided, single submitter. Criteria: Ambry Variant Classification Scheme 2023. Collection method: clinical testing. Allele origin: germline.
Comment: The p.I683T variant (also known as c.2048T>C), located in coding exon 17 of the LRRK2 gene, results from a T to C substitution at nucleotide position 2048. The isoleucine at codon 683 is replaced by threonine, an amino acid with similar properties. This amino acid position is conserved. In addition, this alteration is predicted to be tolerated by in silico analysis. Since supporting evidence is limited at this time, the clinical significance of this alteration remains unclear.